The following is an entry in ClinVar:

ClinVar aggregate classification (germline): Likely pathogenic (1 of 4 stars; one submission).

Conditions:
Mitochondrial complex V (ATP synthase) deficiency, nuclear type 2. Also called: Nuclear-Encoded ATPase Deficiency, TMEM70-Related; ENCEPHALOCARDIOMYOPATHY, MITOCHONDRIAL, NEONATAL, DUE TO ATP SYNTHASE DEFICIENCY; MITOCHONDRIAL COMPLEX V (ATP SYNTHASE) DEFICIENCY, TMEM70 TYPE. Identifiers: Orphanet 1194, MedGen C3279699, MONDO:0013546, OMIM 614052.

Submission:

Labcorp Genetics (formerly Invitae), Labcorp
Classification: Likely pathogenic for Mitochondrial complex V (ATP synthase) deficiency, nuclear type 2. Last evaluated: 2025-10-14. Review status: criteria provided, single submitter. Criteria: Invitae Variant Classification Sherloc (09022015). Collection method: clinical testing. Allele origin: germline.
Comment: This sequence change affects an acceptor splice site in intron 1 of the TMEM70 gene. It is expected to disrupt RNA splicing. Variants that disrupt the donor or acceptor splice site typically lead to a loss of protein function (PMID: 16199547), and loss-of-function variants in TMEM70 are known to be pathogenic (PMID: 18953340, 21147908). This variant is not present in population databases (gnomAD no frequency). This variant has not been reported in the literature in individuals affected with TMEM70-related conditions. Algorithms developed to predict the effect of sequence changes on RNA splicing suggest that this variant may disrupt the consensus splice site. In summary, the currently available evidence indicates that the variant is pathogenic, but additional data are needed to prove that conclusively. Therefore, this variant has been classified as Likely Pathogenic.

Literature cited by the submitters: PubMed 16199547; PubMed 18953340; PubMed 21147908.

NM_017866.6(TMEM70):c.211-1G>C

Gene: TMEM70 (transmembrane protein 70; plus strand). Cytogenetic location: 8q21.11.
Variant type: single nucleotide variant.
Coding change: c.211-1G>C on transcript NM_017866.6 (MANE Select); the canonical splice acceptor site of the intron before coding-DNA position 211, G replaced by C.
Molecular consequence: splice acceptor variant.
Genome position (GRCh38, 1-based): chr8:73,978,755, G>C. VCF-style: chr8-73978755-G-C. GRCh37 (hg19) VCF-style: chr8-74890990-G-C.
Other names: c.211-1G>C (NM_001040613.3).
Identifiers: ClinVar variation 4729235 (VCV004729235.1).